The following is an entry in ClinVar:

ClinVar aggregate classification (germline): Likely benign. Review status: criteria provided, single submitter (1 of 4 stars). 2 submissions from 2 submitters: Likely benign (1). 1 of the submissions does not count toward it. Last evaluated 2024-01-06.

Conditions:
CDK5RAP2-related disorder. Also called: CDK5RAP2-related condition.

Allele frequency attached by ClinVar (database versions not stated): ESP Exome Variant Server 0.00008; 1000 Genomes Project 0.00020; gnomAD exomes 0.00001; TOPMed 0.00003; ExAC 0.00004; gnomAD 0.00007; 1000 Genomes Project 30x 0.00031.
gnomAD v4.1: 34 of 1,614,076 alleles (0.0021%); highest among the groups gnomAD compares: African/African-American, 0.023%; no homozygotes.

Submissions (2):

Labcorp Genetics (formerly Invitae), Labcorp
Classification: Likely benign. Last evaluated: 2024-01-06. Review status: criteria provided, single submitter. Criteria: Invitae Variant Classification Sherloc (09022015). Collection method: clinical testing. Allele origin: germline.

PreventionGenetics, part of Exact Sciences
Classification: Likely benign for CDK5RAP2-related condition. Last evaluated: 2022-08-10. Review status: no assertion criteria provided. Collection method: clinical testing. Allele origin: germline. Not counted in ClinVar's aggregate classification.
Comment: This variant is classified as likely benign based on ACMG/AMP sequence variant interpretation guidelines (Richards et al. 2015 PMID: 25741868, with internal and published modifications).

NM_018249.6(CDK5RAP2):c.1839C>T (p.Ser613=)

Gene: CDK5RAP2 (CDK5 regulatory subunit associated protein 2; minus strand). Cytogenetic location: 9q33.2.
Variant type: single nucleotide variant.
Coding change: c.1839C>T on transcript NM_018249.6 (MANE Select); coding-DNA position 1839, C replaced by T.
Protein change: p.Ser613=; no amino-acid change (serine 613 retained).
Molecular consequence: synonymous variant. On other transcripts: non-coding transcript variant (5).
Genome position (GRCh38, 1-based): chr9:120,471,767, G>A on the plus strand (C>T on the coding strand, the complement: CDK5RAP2 is on the minus strand). VCF-style: chr9-120471767-G-A. GRCh37 (hg19) VCF-style: chr9-123234045-G-A.
Other names: c.1839C>T (NM_018249.5); c.1839C>T, p.Ser613= (NM_001011649.3, NM_001272039.2, NM_001410992.1 and 2 more transcripts).
Identifiers: ClinVar variation 2897892 (VCV002897892.5), dbSNP rs372200995, ClinGen allele CA5214267.